The following is an entry in ClinVar:

ClinVar aggregate classification (germline): Benign/Likely benign. Review status: criteria provided, multiple submitters, no conflicts (2 of 4 stars). 2 submissions from 2 submitters: Benign (1); Likely benign (1). Last evaluated 2025-07-24.

Conditions:
Hereditary diffuse gastric adenocarcinoma (HDGC). Also called: DIFFUSE GASTRIC AND LOBULAR BREAST CANCER SYNDROME. Identifiers: Orphanet 26106, MedGen C1708349, MONDO:0007648, OMIM 137215.

Allele frequency attached by ClinVar (database versions not stated): TOPMed below 0.00001.

Submissions (2):

Labcorp Genetics (formerly Invitae), Labcorp
Classification: Likely benign. Last evaluated: 2025-07-24. Review status: criteria provided, single submitter. Criteria: Invitae Variant Classification Sherloc (09022015). Collection method: clinical testing. Allele origin: germline.

Myriad Genetics, Inc.
Classification: Benign for Hereditary diffuse gastric adenocarcinoma. Last evaluated: 2024-10-10. Review status: criteria provided, single submitter. Criteria: Myriad Autosomal Dominant, Autosomal Recessive and X-Linked Classification Criteria (2023). Collection method: clinical testing. Allele origin: unknown.
Comment: This variant is considered benign. This variant is a silent/synonymous amino acid change and it is not expected to impact splicing.

NM_001903.5(CTNNA1):c.1002G>A (p.Val334=)

Gene: CTNNA1 (catenin alpha 1; plus strand). Cytogenetic location: 5q31.2.
Variant type: single nucleotide variant.
Coding change: c.1002G>A on transcript NM_001903.5 (MANE Select); coding-DNA position 1002, G replaced by A.
Protein change: p.Val334=; no amino-acid change (valine 334 retained).
Molecular consequence: synonymous variant.
Genome position (GRCh38, 1-based): chr5:138,827,658, G>A. VCF-style: chr5-138827658-G-A. GRCh37 (hg19) VCF-style: chr5-138163347-G-A.
Other names: c.1002G>A, p.Val334= (NM_001290307.3, NM_001323982.2, NM_001323983.1 and 3 more transcripts); c.693G>A, p.Val231= (NM_001290309.3); c.633G>A, p.Val211= (NM_001290310.3).
Identifiers: ClinVar variation 1541666 (VCV001541666.9), dbSNP rs1481778658, ClinGen allele CA446595503.